The following is an entry in ClinVar:

NM_001367624.2(ZNF469):c.10472C>G (p.Pro3491Arg)

Gene: ZNF469 (zinc finger protein 469; plus strand). Cytogenetic location: 16q24.2.
Variant type: single nucleotide variant.
Coding change: c.10472C>G on transcript NM_001367624.2 (MANE Select); coding-DNA position 10472, C replaced by G.
Protein change: p.Pro3491Arg; replaces proline 3491 with arginine.
Molecular consequence: missense variant.
Genome position (GRCh38, 1-based): chr16:88,437,942, C>G. VCF-style: chr16-88437942-C-G. GRCh37 (hg19) VCF-style: chr16-88504350-C-G.
Other names: NM_001127464.1:c.10388C>G; short protein forms P3491R.
Identifiers: ClinVar variation 392226 (VCV000392226.15), dbSNP rs183437633, ClinGen allele CA8225518.

ClinVar aggregate classification (germline): Benign/Likely benign. Review status: criteria provided, multiple submitters, no conflicts (2 of 4 stars). 5 submissions from 5 submitters: Benign (3); Likely benign (2). Last evaluated 2026-05-04.

Conditions:
Brittle cornea syndrome 1 (BCS1). Also called: DYSGENESIS MESODERMALIS CORNEAE ET SCLERAE; Corneal fragility keratoglobus, blue sclerae AND joint hypermobility; CORNEAL FRAGILITY, KERATOGLOBUS, BLUE SCLERAE, JOINT HYPEREXTENSIBILITY; EDS6B; FRAGILITAS OCULI WITH JOINT HYPEREXTENSIBILITY. Identifiers: Orphanet 90354, MedGen C0268344, MONDO:0024543, OMIM 229200.
Cardiovascular phenotype. Identifiers: MedGen CN230736.

Allele frequency attached by ClinVar (database versions not stated): gnomAD exomes 0.00045 and 0.00028; ExAC 0.00102; gnomAD 0.00332 and 0.00340; TOPMed 0.00335; 1000 Genomes Project 0.00479.
gnomAD v4.1: 907 of 1,541,508 alleles (0.059%); highest among the groups gnomAD compares: African/African-American, 1.1%; 8 homozygotes.

Submissions (5):

Women's Health and Genetics/Laboratory Corporation of America, LabCorp
Classification: Likely benign. Last evaluated: 2026-05-04. Review status: criteria provided, single submitter. Criteria: LabCorp Variant Classification Summary - May 2015. Collection method: clinical testing. Allele origin: germline.
Comment: Variant summary: ZNF469 c.10472C>G (p.Pro3491Arg) results in a non-conservative amino acid change in the encoded protein sequence. Algorithms developed to predict the effect of missense changes on protein structure and function are either unavailable or do not agree on the potential impact of this missense change. The variant allele was found at a frequency of 0.00045 in 144344 control chromosomes, predominantly at a frequency of 0.0079 within the African or African-American subpopulation in the gnomAD database. The observed variant frequency within African or African-American control individuals in the gnomAD database exceeds the estimated maximal expected allele frequency for disease-causing variants in ZNF469. To our knowledge, no occurrence of c.10472C>G in individuals affected with ZNF469-related conditions and no experimental evidence demonstrating its impact on protein function have been reported. ClinVar contains an entry for this variant (Variation ID: 392226). Based on the evidence outlined above, the variant was classified as likely benign.

Labcorp Genetics (formerly Invitae), Labcorp
Classification: Benign. Last evaluated: 2026-02-02. Review status: criteria provided, single submitter. Criteria: Invitae Variant Classification Sherloc (09022015). Collection method: clinical testing. Allele origin: germline.

Genome-Nilou Lab
Classification: Benign for Brittle cornea syndrome 1. Last evaluated: 2021-12-05. Review status: criteria provided, single submitter. Criteria: ACMG Guidelines, 2015. Collection method: clinical testing. Allele origin: germline. Affected: no.

GeneDx
Classification: Likely benign. Last evaluated: 2020-09-01. Review status: criteria provided, single submitter. Criteria: GeneDx Variant Classification Process June 2021. Collection method: clinical testing. Allele origin: germline. Affected: yes.

Ambry Genetics
Classification: Benign for Cardiovascular phenotype. Last evaluated: 2020-03-18. Review status: criteria provided, single submitter. Criteria: Ambry Variant Classification Scheme 2023. Collection method: clinical testing. Allele origin: germline.